The following is an entry in ClinVar:

ClinVar aggregate classification (germline): Uncertain significance (1 of 4 stars; one submission).

Conditions:
Familial meningioma. Also called: Meningioma, familial, susceptibility to. Identifiers: Orphanet 263662, MedGen C3551915, MONDO:0011789, OMIM 607174.

Submission:

Labcorp Genetics (formerly Invitae), Labcorp
Classification: Uncertain significance for Familial meningioma. Last evaluated: 2024-01-26. Review status: criteria provided, single submitter. Criteria: Invitae Variant Classification Sherloc (09022015). Collection method: clinical testing. Allele origin: germline.
Comment: This sequence change results in a frameshift in the SMARCE1 gene (p.Val374Serfs*68). While this is not anticipated to result in nonsense mediated decay, it is expected to disrupt the last 38 amino acid(s) of the SMARCE1 protein and extend the protein by 29 additional amino acid residues. This variant is not present in population databases (gnomAD no frequency). This variant has not been reported in the literature in individuals affected with SMARCE1-related conditions. Experimental studies and prediction algorithms are not available or were not evaluated, and the functional significance of this variant is currently unknown. In summary, the available evidence is currently insufficient to determine the role of this variant in disease. Therefore, it has been classified as a Variant of Uncertain Significance.

NM_003079.5(SMARCE1):c.1120del (p.Val374fs)

Gene: SMARCE1 (SWI/SNF related BAF chromatin remodeling complex subunit E1; minus strand). Cytogenetic location: 17q21.2.
Variant type: Deletion.
Coding change: c.1120del on transcript NM_003079.5 (MANE Select); coding-DNA position 1120, one base deleted (G; older notation c.1120delG).
Protein change: p.Val374fs; shifts the reading frame from valine 374.
Molecular consequence: frameshift variant.
Genome position (GRCh38, 1-based): chr17:40,628,901, C deleted on the plus strand (G on the coding strand, the reverse complement: SMARCE1 is on the minus strand); the first of 5 consecutive C bases (chr17:40,628,901-40,628,905); deleting any one gives the same sequence. VCF-style (leftmost placement, unchanged base first): chr17-40628900-AC-A. GRCh37 (hg19) VCF-style: chr17-38785152-AC-A.
Other names: short protein forms V374fs.
Identifiers: ClinVar variation 2898006 (VCV002898006.3), dbSNP rs2143980585, ClinGen allele CA645596555.